The following is an entry in ClinVar:

ClinVar aggregate classification (germline): Uncertain significance (1 of 4 stars; one submission).

gnomAD v4.1: 1 of 1,613,954 alleles (0.000062%); highest among the groups gnomAD compares: Non-Finnish European, 0.000085%; no homozygotes.

Submission:

Labcorp Genetics (formerly Invitae), Labcorp
Classification: Uncertain significance. Last evaluated: 2021-08-28. Review status: criteria provided, single submitter. Criteria: Invitae Variant Classification Sherloc (09022015). Collection method: clinical testing. Allele origin: germline.
Comment: This sequence change replaces glycine with valine at codon 185 of the CDH23 protein (p.Gly185Val). The glycine residue is highly conserved and there is a moderate physicochemical difference between glycine and valine. This variant is not present in population databases (ExAC no frequency). This variant has not been reported in the literature in individuals affected with CDH23-related conditions. Algorithms developed to predict the effect of missense changes on protein structure and function are either unavailable or do not agree on the potential impact of this missense change (SIFT: "Deleterious"; PolyPhen-2: "Not Available"; Align-GVGD: "Class C0"). In summary, the available evidence is currently insufficient to determine the role of this variant in disease. Therefore, it has been classified as a Variant of Uncertain Significance.

NM_022124.6(CDH23):c.554G>T (p.Gly185Val)

Gene: CDH23 (cadherin related 23; plus strand). Cytogenetic location: 10q22.1.
Variant type: single nucleotide variant.
Coding change: c.554G>T on transcript NM_022124.6 (MANE Select); coding-DNA position 554, G replaced by T.
Protein change: p.Gly185Val; replaces glycine 185 with valine.
Molecular consequence: missense variant.
Genome position (GRCh38, 1-based): chr10:71,566,866, G>T. VCF-style: chr10-71566866-G-T. GRCh37 (hg19) VCF-style: chr10-73326623-G-T.
Other names: c.554G>T, p.Gly185Val (NM_001171930.2, NM_001171931.2, NM_001171932.2 and 1 more transcripts); short protein forms G185V.
Identifiers: ClinVar variation 1053469 (VCV001053469.6), dbSNP rs1205912682, ClinGen allele CA377112113.